The following is an entry in ClinVar:

NM_020442.6(VARS2):c.2293G>A (p.Val765Met)

Genes: VARS2 (valyl-tRNA synthetase 2, mitochondrial; plus strand), LOC126859646 (MED14-independent group 3 enhancer GRCh37_chr6:30889690-30890889; plus strand). Cytogenetic location: 6p21.33.
Variant type: single nucleotide variant.
Coding change: c.2293G>A on transcript NM_020442.6 (MANE Select); coding-DNA position 2293, G replaced by A.
Protein change: p.Val765Met; replaces valine 765 with methionine.
Molecular consequence: missense variant.
Genome position (GRCh38, 1-based): chr6:30,923,211, G>A. VCF-style: chr6-30923211-G-A. GRCh37 (hg19) VCF-style: chr6-30890988-G-A.
Other names: c.1873G>A, p.Val625Met (NM_001167733.3); c.2383G>A, p.Val795Met (NM_001167734.2); short protein forms V765M, V795M, V625M.
Identifiers: ClinVar variation 377004 (VCV000377004.42), dbSNP rs55865499, ClinGen allele CA3706227.

ClinVar aggregate classification (germline): Benign/Likely benign. Review status: criteria provided, multiple submitters, no conflicts (2 of 4 stars). 7 submissions from 7 submitters: Benign (2); Likely benign (4). 1 of the submissions does not count toward it. Last evaluated 2026-09-01.

Allele frequency attached by ClinVar (database versions not stated): 1000 Genomes Project 0.00120; TOPMed 0.00185; ESP Exome Variant Server 0.00237; gnomAD 0.00259 and 0.00270; gnomAD exomes 0.00264 and 0.00275; ExAC 0.00270.

Submissions (7):

CeGaT Center for Human Genetics Tuebingen
Classification: Likely benign. Last evaluated: 2026-09-01. Review status: criteria provided, single submitter. Criteria: CeGaT Center For Human Genetics Tuebingen Variant Classification Criteria Version 2. Collection method: clinical testing. Allele origin: germline. Affected: yes. Observed: 8 variant alleles.
Comment: VARS2: BP4

Labcorp Genetics (formerly Invitae), Labcorp
Classification: Benign. Last evaluated: 2026-01-05. Review status: criteria provided, single submitter. Criteria: Invitae Variant Classification Sherloc (09022015). Collection method: clinical testing. Allele origin: germline.

Blueprint Genetics
Classification: Likely benign. Last evaluated: 2024-11-22. Review status: criteria provided, single submitter. Criteria: ACMG Guidelines, 2015. Collection method: clinical testing. Allele origin: germline.

GeneDx
Classification: Benign. Last evaluated: 2018-10-08. Review status: criteria provided, single submitter. Criteria: GeneDx Variant Classification Process June 2021. Collection method: clinical testing. Allele origin: germline. Affected: yes.

Center for Pediatric Genomic Medicine, Children's Mercy Hospital and Clinics
Classification: Likely benign. Last evaluated: 2016-11-07. Review status: criteria provided, single submitter. Criteria: ACMG Guidelines, 2015. Collection method: clinical testing. Allele origin: germline.
ClinVar note: Converted during submission from Likely Benign to Likely benign.

Breakthrough Genomics
Classification: Likely benign. Review status: criteria provided, single submitter. Criteria: ACMG Guidelines, 2015. Collection method: not provided. Allele origin: germline. Inheritance: Autosomal recessive inheritance. Affected: yes.

Mayo Clinic Laboratories, Mayo Clinic
Classification: Uncertain significance. Last evaluated: 2016-03-14. Review status: no assertion criteria provided. Collection method: clinical testing. Allele origin: unknown. Not counted in ClinVar's aggregate classification.